The following is an entry in ClinVar:

ClinVar aggregate classification (germline): Uncertain significance (1 of 4 stars; one submission).

Submission:

Ambry Genetics
Classification: Uncertain significance. Last evaluated: 2022-11-20. Review status: criteria provided, single submitter. Criteria: Ambry Variant Classification Scheme 2023. Collection method: clinical testing. Allele origin: germline.
Comment: The p.A1286V variant (also known as c.3857C>T), located in coding exon 32 of the PRKDC gene, results from a C to T substitution at nucleotide position 3857. The alanine at codon 1286 is replaced by valine, an amino acid with similar properties. This amino acid position is conserved. Since supporting evidence is limited at this time, the clinical significance of this alteration remains unclear.

NM_006904.7(PRKDC):c.3857C>T (p.Ala1286Val)

Gene: PRKDC (protein kinase, DNA-activated, catalytic subunit; minus strand). Cytogenetic location: 8q11.21.
Variant type: single nucleotide variant.
Coding change: c.3857C>T on transcript NM_006904.7 (MANE Select); coding-DNA position 3857, C replaced by T.
Protein change: p.Ala1286Val; replaces alanine 1286 with valine.
Molecular consequence: missense variant.
Genome position (GRCh38, 1-based): chr8:47,890,471, G>A on the plus strand (C>T on the coding strand, the complement: PRKDC is on the minus strand). VCF-style: chr8-47890471-G-A. GRCh37 (hg19) VCF-style: chr8-48803032-G-A.
Other names: c.3857C>T, p.Ala1286Val (NM_001081640.2); short protein forms A1286V.
Identifiers: ClinVar variation 2497402 (VCV002497402.2), dbSNP rs2551873987, ClinGen allele CA371149368.